The following is an entry in ClinVar:

NM_138576.4(BCL11B):c.1246G>A (p.Gly416Ser)

Gene: BCL11B (BCL11 transcription factor B; minus strand). Cytogenetic location: 14q32.2.
Variant type: single nucleotide variant.
Coding change: c.1246G>A on transcript NM_138576.4 (MANE Select); coding-DNA position 1246, G replaced by A.
Protein change: p.Gly416Ser; replaces glycine 416 with serine.
Molecular consequence: missense variant.
Genome position (GRCh38, 1-based): chr14:99,175,590, C>T on the plus strand (G>A on the coding strand, the complement: BCL11B is on the minus strand). VCF-style: chr14-99175590-C-T. GRCh37 (hg19) VCF-style: chr14-99641927-C-T.
Other names: c.1246G>A (NM_138576.2); c.1243G>A, p.Gly415Ser (NM_001282237.2); c.1030G>A, p.Gly344Ser (NM_001282238.2); c.1033G>A, p.Gly345Ser (NM_022898.3); short protein forms G415S, G416S, G344S, G345S.
Identifiers: ClinVar variation 2177031 (VCV002177031.5), dbSNP rs748749077, ClinGen allele CA7339700.
Genomic context (GRCh38, chr14:99,175,590, plus strand): 5'-AGGTCTTGCCGCAGAACTCGCACGACTTGCTCTTGGCTGGCGGCTGCGGGGGCGGCGTGC[C>T]GCCAGGGGGCATGGGCGGCAGCGGCGGCGTGCTCAGGAACGGGGACTTGGGGCTGGGCTG-3'
Protein context (NP_612808.1, residues 406-426): TPPLPPMPPG[Gly416Ser]TPPPQPPAKS

ClinVar aggregate classification (germline): Conflicting classifications of pathogenicity. Review status: criteria provided, conflicting classifications (1 of 4 stars). 2 submissions from 2 submitters: Uncertain significance (1); Likely benign (1). Last evaluated 2025-06-09.

Conditions:
Inborn genetic diseases. Identifiers: MedGen C0950123, MeSH D030342.

Allele frequency attached by ClinVar (database versions not stated): gnomAD exomes 0.00001; gnomAD 0.00002; TOPMed 0.00002; ExAC 0.00006.
gnomAD v4.1: 12 of 1,577,844 alleles (0.00076%); highest among the groups gnomAD compares: Admixed American, 0.011%; no homozygotes.

Submissions (2):

Labcorp Genetics (formerly Invitae), Labcorp
Classification: Uncertain significance. Last evaluated: 2025-06-09. Review status: criteria provided, single submitter. Criteria: Invitae Variant Classification Sherloc (09022015). Collection method: clinical testing. Allele origin: germline.
Comment: This sequence change replaces glycine, which is neutral and non-polar, with serine, which is neutral and polar, at codon 416 of the BCL11B protein (p.Gly416Ser). This variant is present in population databases (rs748749077, gnomAD 0.02%). This variant has not been reported in the literature in individuals affected with BCL11B-related conditions. ClinVar contains an entry for this variant (Variation ID: 2177031). Invitae Evidence Modeling of protein sequence and biophysical properties (such as structural, functional, and spatial information, amino acid conservation, physicochemical variation, residue mobility, and thermodynamic stability) indicates that this missense variant is not expected to disrupt BCL11B protein function with a negative predictive value of 95%. In summary, the available evidence is currently insufficient to determine the role of this variant in disease. Therefore, it has been classified as a Variant of Uncertain Significance.

Ambry Genetics
Classification: Likely benign for Inborn genetic diseases. Last evaluated: 2021-05-20. Review status: criteria provided, single submitter. Criteria: Ambry Variant Classification Scheme 2023. Collection method: clinical testing. Allele origin: germline.